The following is an entry in ClinVar:

ClinVar aggregate classification (germline): Uncertain significance (1 of 4 stars; one submission).

Allele frequency attached by ClinVar (database versions not stated): gnomAD exomes 0.00002.
gnomAD v4.1: 16 of 1,551,660 alleles (0.001%); highest among the groups gnomAD compares: Admixed American, 0.0039%; no homozygotes.

Submission:

Labcorp Genetics (formerly Invitae), Labcorp
Classification: Uncertain significance. Last evaluated: 2021-12-12. Review status: criteria provided, single submitter. Criteria: Invitae Variant Classification Sherloc (09022015). Collection method: clinical testing. Allele origin: germline.
Comment: This sequence change replaces alanine, which is neutral and non-polar, with valine, which is neutral and non-polar, at codon 1641 of the LOXHD1 protein (p.Ala1641Val). This variant is present in population databases (no rsID available, gnomAD 0.004%). This missense change has been observed in individual(s) with deafness (Invitae). In at least one individual the data is consistent with being in trans (on the opposite chromosome) from a pathogenic variant. Algorithms developed to predict the effect of missense changes on protein structure and function are either unavailable or do not agree on the potential impact of this missense change (SIFT: "Deleterious"; PolyPhen-2: "Probably Damaging"; Align-GVGD: "Class C0"). In summary, the available evidence is currently insufficient to determine the role of this variant in disease. Therefore, it has been classified as a Variant of Uncertain Significance.

NM_001384474.1(LOXHD1):c.4922C>T (p.Ala1641Val)

Gene: LOXHD1 (lipoxygenase homology PLAT domains 1; minus strand). Cytogenetic location: 18q21.1.
Variant type: single nucleotide variant.
Coding change: c.4922C>T on transcript NM_001384474.1 (MANE Select); coding-DNA position 4922, C replaced by T.
Protein change: p.Ala1641Val; replaces alanine 1641 with valine.
Molecular consequence: missense variant.
Genome position (GRCh38, 1-based): chr18:46,522,264, G>A on the plus strand (C>T on the coding strand, the complement: LOXHD1 is on the minus strand). VCF-style: chr18-46522264-G-A. GRCh37 (hg19) VCF-style: chr18-44102227-G-A.
Other names: c.1589C>T, p.Ala530Val (NM_001145472.3); c.1301C>T, p.Ala434Val (NM_001308013.2); c.4922C>T, p.Ala1641Val (NM_144612.7); short protein forms A1641V, A530V, A434V.
Identifiers: ClinVar variation 1423255 (VCV001423255.3), dbSNP rs992296929, ClinGen allele CA299801034.